The following is an entry in ClinVar:

ClinVar aggregate classification (germline): Pathogenic (3 of 4 stars; one submission).

Conditions:
Glanzmann thrombasthenia. Also called: PLATELET GLYCOPROTEIN IIb-IIIa DEFICIENCY; Glanzmann's thrombasthenia; BLEEDING DISORDER, PLATELET-TYPE, 2; THROMBASTHENIA OF GLANZMANN AND NAEGELI; Thrombasthenia. Identifiers: Orphanet 849, MedGen C0040015, MONDO:0100326.

Allele frequency attached by ClinVar (database versions not stated): gnomAD exomes below 0.00001.

Submission:

ClinGen Platelet Disorders Variant Curation Expert Panel, ClinGen
Classification: Pathogenic for Glanzmann thrombasthenia. Last evaluated: 2022-04-15. Review status: reviewed by expert panel. Criteria: ClinGen Platelet ACMG Specifications v2-1. Collection method: curation. Allele origin: germline. Inheritance: Autosomal recessive inheritance.
Comment: The NM_000419.5(ITGA2B):c.2902del (p.Tyr968MetfsTer?) frameshift variant in exon 28 of 30 is predicted to alter the remaining 72 amino acids followed by a stop loss and the addition of 90 amino acids to the ITGA2B protein. This alters the transmembrane domain of the protein which is considered a critical region for protein function by the Platelet Disorders VCEP (PVS1_Strong). This variant is absent from gnomAD v2.1.1 (PM2_Supporting). It has been reported in at least one patient (GT14 in PMID: 25728920), whom displayed mucocutaneous bleeding and impaired aggregation with all agonists except ristocetin, which is highly specific for Glanzmann thrombasthenia. Additionally, alphaIIbbeta3 surface expression was reduced to<5%, as measured by flow cytometry (PP4_strong). In summary this variant meets criteria to be classified as Pathogenic for autosomal recessive Glanzmann Thrombasthenia based on the ACMG/AMP criteria applied, as specified by the ClinGen PD VCEP: PVS1_strong, PP4_strong, PM2_supporting. (VCEP specifications version 2.1)

NM_000419.5(ITGA2B):c.2902del (p.Tyr968fs)

Gene: ITGA2B (integrin subunit alpha 2b; minus strand). Cytogenetic location: 17q21.31.
Variant type: Deletion.
Coding change: c.2902del on transcript NM_000419.5 (MANE Select); coding-DNA position 2902, one base deleted (T; older notation c.2902delT).
Protein change: p.Tyr968fs; shifts the reading frame from tyrosine 968.
Molecular consequence: frameshift variant.
Genome position (GRCh38, 1-based): chr17:44,374,700, A deleted on the plus strand (T on the coding strand, the reverse complement: ITGA2B is on the minus strand). VCF-style (leftmost placement, unchanged base first): chr17-44374699-TA-T. GRCh37 (hg19) VCF-style: chr17-42452067-TA-T.
Other names: NM_000419.5:c.2902del; short protein forms Y968fs.
Identifiers: ClinVar variation 1691485 (VCV001691485.2), dbSNP rs2143429292, ClinGen allele CA915940332.